The following is an entry in ClinVar:

NM_024577.4(SH3TC2):c.*10875T>C

Gene: SH3TC2 (SH3 domain and tetratricopeptide repeats 2; minus strand). Cytogenetic location: 5q32.
Variant type: single nucleotide variant.
Coding change: c.*10875T>C on transcript NM_024577.4 (MANE Select); 10875 bases downstream of the stop codon, T replaced by C.
Molecular consequence: 3 prime UTR variant.
Genome position (GRCh38, 1-based): chr5:148,993,836, A>G on the plus strand (T>C on the coding strand, the complement: SH3TC2 is on the minus strand). VCF-style: chr5-148993836-A-G. GRCh37 (hg19) VCF-style: chr5-148373399-A-G.
Identifiers: ClinVar variation 351702 (VCV000351702.5), dbSNP rs184560843, ClinGen allele CA10623358.
Genomic context (GRCh38, chr5:148,993,836, plus strand): 5'-AGCCCAGATTACATTCCTCTAAGCATGCCTTAACCCCACAGGTTCAACAAAGAAGTGTTC[A>G]TTAACTTCTTCGCCCAAACAAGTACTCTTCTGAAATGTCTGTCAACACAATAACAATAAT-3'

ClinVar aggregate classification (germline): Likely benign. Review status: criteria provided, single submitter (1 of 4 stars). 2 submissions from 1 submitter: Likely benign (2). Last evaluated 2018-01-13.

Conditions:
Charcot-Marie-Tooth disease type 4C (CMT4C). Also called: CHARCOT-MARIE-TOOTH DISEASE, DEMYELINATING, AUTOSOMAL RECESSIVE, TYPE 4C; CMT 4C; Charcot-Marie-Tooth Neuropathy Type 4C (CMT4C); CHARCOT-MARIE-TOOTH DISEASE, DEMYELINATING, TYPE 4C; SH3TC2-Related Hereditary Motor and Sensory Neuropathy. Identifiers: Orphanet 99949, MedGen C1866636, MONDO:0011113, OMIM 601596.
Susceptibility to mononeuropathy of the median nerve, mild. Also called: CARPAL TUNNEL SYNDROME, SUSCEPTIBILITY TO. Identifiers: MedGen C3150596, MONDO:0013237, OMIM 613353.

Allele frequency attached by ClinVar (database versions not stated): gnomAD 0.00010 and 0.00013; TOPMed 0.00012; 1000 Genomes Project 30x 0.00047; 1000 Genomes Project 0.00060.
gnomAD v4.1: 20 of 152,368 alleles (0.013%); highest among the groups gnomAD compares: East Asian, 0.39%; no homozygotes.

Submissions (2):

Illumina Laboratory Services, Illumina
Classification: Likely benign for Susceptibility to mononeuropathy of the median nerve, mild. Last evaluated: 2018-01-13. Review status: criteria provided, single submitter. Criteria: ICSL Variant Classification Criteria 13 December 2019. Collection method: clinical testing. Allele origin: germline.
Comment: This variant was observed in the ICSL laboratory as part of a predisposition screen in an ostensibly healthy population. It had not been previously curated by ICSL or reported in the Human Gene Mutation Database (HGMD: prior to June 1st, 2018), and was therefore a candidate for classification through an automated scoring system. Utilizing variant allele frequency, disease prevalence and penetrance estimates, and inheritance mode, an automated score was calculated to assess if this variant is too frequent to cause the disease. Based on the score and internal cut-off values, a variant classified as likely benign is not then subjected to further curation. The score for this variant resulted in a classification of likely benign for this disease.

Illumina Laboratory Services, Illumina
Classification: Likely benign for Charcot-Marie-Tooth disease type 4C. Last evaluated: 2018-01-13. Review status: criteria provided, single submitter. Criteria: ICSL Variant Classification Criteria 13 December 2019. Collection method: clinical testing. Allele origin: germline.
Comment: the same text as in the submission from Illumina Laboratory Services, Illumina above.